The following is an entry in ClinVar:

NM_000038.6(APC):c.3955C>T (p.Pro1319Ser)

Gene: APC (APC regulator of WNT signaling pathway; plus strand). Cytogenetic location: 5q22.2.
Variant type: single nucleotide variant.
Coding change: c.3955C>T on transcript NM_000038.6 (MANE Select); coding-DNA position 3955, C replaced by T.
Protein change: p.Pro1319Ser; replaces proline 1319 with serine.
Molecular consequence: missense variant.
Genome position (GRCh38, 1-based): chr5:112,839,549, C>T. VCF-style: chr5-112839549-C-T. GRCh37 (hg19) VCF-style: chr5-112175246-C-T.
Other names: c.3955C>T, p.Pro1319Ser (NM_001127510.3, NM_001354895.2, NM_001407450.1); c.3901C>T, p.Pro1301Ser (NM_001127511.3); c.4009C>T, p.Pro1337Ser (NM_001354896.2, NM_001407447.1, NM_001407448.1 and 1 more transcripts); c.3985C>T, p.Pro1329Ser (NM_001354897.2); c.3880C>T, p.Pro1294Ser (NM_001354898.2); c.3871C>T, p.Pro1291Ser (NM_001354899.2); c.3832C>T, p.Pro1278Ser (NM_001354900.2); c.3778C>T, p.Pro1260Ser (NM_001354901.2, NM_001407453.1); and 11 more; short protein forms P1036S, P1159S, P1190S, P1193S, P1218S, P1228S, P1236S, P1260S.
Identifiers: ClinVar variation 2444628 (VCV002444628.1), dbSNP rs1765567515, ClinGen allele CA16030009.

ClinVar aggregate classification (germline): Uncertain significance (1 of 4 stars; one submission).

Submission:

GeneDx
Classification: Uncertain significance. Last evaluated: 2022-09-16. Review status: criteria provided, single submitter. Criteria: GeneDx Variant Classification Process June 2021. Collection method: clinical testing. Allele origin: germline. Affected: yes.
Comment: Not observed at significant frequency in large population cohorts (gnomAD); In silico analysis supports that this missense variant does not alter protein structure/function; Has not been previously published as pathogenic or benign to our knowledge; This variant is associated with the following publications: (PMID: 18199528)